The following is an entry in ClinVar:

NM_002474.3(MYH11):c.5869G>C (p.Glu1957Gln)

Genes: MYH11 (myosin heavy chain 11; minus strand), NDE1 (nudE neurodevelopment protein 1; plus strand). Cytogenetic location: 16p13.11.
Variant type: single nucleotide variant.
Coding change: c.5869G>C on transcript NM_002474.3 (MANE Select); coding-DNA position 5869, G replaced by C.
Protein change: p.Glu1957Gln; replaces glutamic acid 1957 with glutamine.
Molecular consequence: missense variant. On other transcripts: 3 prime UTR variant (2), intron variant (2).
Genome position (GRCh38, 1-based): chr16:15,704,041, C>G on the plus strand (G>C on the coding strand, the complement: MYH11 is on the minus strand). VCF-style: chr16-15704041-C-G. GRCh37 (hg19) VCF-style: chr16-15797898-C-G.
Other names: c.5890G>C (NM_001040114.1); c.*91G>C (NM_001040113.2, NM_022844.3); c.5890G>C, p.Glu1964Gln (NM_001040114.2); c.947+7181C>G (NM_001143979.2, NM_017668.3); short protein forms E1957Q, E1964Q.
Identifiers: ClinVar variation 807997 (VCV000807997.33), dbSNP rs768140376, ClinGen allele CA7921049.

ClinVar aggregate classification (germline): Conflicting classifications of pathogenicity. Review status: criteria provided, conflicting classifications (1 of 4 stars). 10 submissions from 9 submitters: Uncertain significance (8); Likely benign (2). Last evaluated 2026-07-23.

Conditions:
MYH11-related disorder. Also called: MYH11-related condition.
Visceral myopathy 2. Identifiers: MedGen C5543466, MONDO:0859157, OMIM 619350.
Megacystis-microcolon-intestinal hypoperistalsis syndrome 2. Identifiers: MedGen C5543476, MONDO:0025708, OMIM 619351.
Aortic aneurysm, familial thoracic 4 (AAT4). Also called: AORTIC ANEURYSM/AORTIC DISSECTION AND PATENT DUCTUS ARTERIOSUS. Identifiers: MedGen C1851504, MONDO:0007568, OMIM 132900.
Familial thoracic aortic aneurysm and aortic dissection (TAAD). Also called: Thoracic aortic aneurysms and dissections. Identifiers: Orphanet 91387, MedGen C4707243, MONDO:0019625.

Allele frequency attached by ClinVar (database versions not stated): gnomAD 0.00003 and 0.00005; ExAC 0.00005; gnomAD exomes 0.00005 and 0.00008; TOPMed 0.00007.
gnomAD v4.1: 119 of 1,613,962 alleles (0.0074%); highest among the groups gnomAD compares: Non-Finnish European, 0.0092%; no homozygotes.

Submissions (10):

PreventionGenetics, part of Exact Sciences
Classification: Uncertain significance for MYH11-related condition. Last evaluated: 2026-07-23. Review status: criteria provided, single submitter. Criteria: ACMG Guidelines, 2015. Collection method: clinical testing. Allele origin: germline.
Comment: The MYH11 c.5890G>C variant is predicted to result in the amino acid substitution p.Glu1964Gln. On an alternative transcript, NM_002474, this variant is referred to as c.5869G>C (p.Glu1957Gln) and has been reported in an individual with spontaneous coronary artery dissection (Antonutti et al. 2021. PubMed ID: 33190788). This variant is reported in 0.0097% of alleles in individuals of European (Non-Finnish) descent in gnomAD. At this time, the clinical significance of this variant is uncertain due to the absence of conclusive functional and genetic evidence.

GeneDx
Classification: Uncertain significance. Last evaluated: 2025-05-15. Review status: criteria provided, single submitter. Criteria: GeneDx Variant Classification Process June 2021. Collection method: clinical testing. Allele origin: germline. Affected: yes.
Comment: Has not been previously published as pathogenic or benign to our knowledge; In silico analysis suggests that this missense variant does not alter protein structure/function

Fulgent Genetics
Classification: Uncertain significance for Aortic aneurysm, familial thoracic 4; Visceral myopathy 2; Megacystis-microcolon-intestinal hypoperistalsis syndrome 2. Last evaluated: 2024-06-14. Review status: criteria provided, single submitter. Criteria: ACMG Guidelines, 2015. Collection method: clinical testing. Allele origin: germline.

Ambry Genetics
Classification: Uncertain significance for Familial thoracic aortic aneurysm and aortic dissection. Last evaluated: 2023-03-31. Review status: criteria provided, single submitter. Criteria: Ambry Variant Classification Scheme 2023. Collection method: clinical testing. Allele origin: germline.
Comment: The p.E1957Q variant (also known as c.5869G>C), located in coding exon 40 of the MYH11 gene, results from a G to C substitution at nucleotide position 5869. The glutamic acid at codon 1957 is replaced by glutamine, an amino acid with highly similar properties. This amino acid position is well conserved in available vertebrate species. In addition, this alteration is predicted to be tolerated by in silico analysis. Since supporting evidence is limited at this time, the clinical significance of this alteration remains unclear.

Institute for Clinical Genetics, University Hospital TU Dresden, University Hospital TU Dresden
Classification: Uncertain significance. Last evaluated: 2021-11-03. Review status: criteria provided, single submitter. Criteria: ACMG Guidelines, 2015. Collection method: clinical testing. Allele origin: germline.

Women's Health and Genetics/Laboratory Corporation of America, LabCorp
Classification: Likely benign. Last evaluated: 2020-01-27. Review status: criteria provided, single submitter. Criteria: LabCorp Variant Classification Summary - May 2015. Collection method: clinical testing. Allele origin: germline.
Comment: Variant summary: MYH11 c.*91G>C (in transcript NM_001040113.1) alters a conserved nucleotide and is located in the untranslated mRNA region downstream of the termination codon. Additionally, 4/4 computational tools predict no significant impact on normal splicing. However, these predictions have yet to be confirmed by functional studies. The variant allele was found at a frequency of 4.8e-05 in 251490 control chromosomes. The observed variant frequency is approximately 38 fold of the estimated maximal expected allele frequency for a pathogenic variant in MYH11 causing Aortopathy phenotype (1.3e-06), and 3.8 fold of the estimated maximal expected allele frequency for a pathogenic variant in MYH11 causing Thoracic Aortic Aneurysms and Dissections with Patent Ductus Arteriosus phenotype (1.3e-05) strongly suggesting that the variant is benign. However, in the absence of phenotypic information, the possibility of subclinical presentations for cardiac conditions in the gnomAD control cohort cannot be entirely excluded. Pathogenic variants located in the C-terminal coiled-coil region of the MYH11 gene have been reported in individuals with thoracic aortic aneurysm and/or aortic dissection (TAAD) and patent ductus arteriosus (PDA). Mutations in MYH11 were originally been reported in 2 families with TAAD, who also presented with patent ductus arteriosus (PMID 16444274). To our knowledge, no occurrence of c.*91G>C in individuals affected with Thoracic Aortic Aneurysms and Dissections with Patent Ductus Arteriosus or Aortopathy and no experimental evidence demonstrating its impact on protein function have been reported. No clinical diagnostic laboratories have submitted clinical-significance assessments for this variant to ClinVar after 2014. Based on the evidence outlined above, the variant was classified as likely benign until additional evidence supporting a disease association is identified.

Center for Genomics, Ann and Robert H. Lurie Children's Hospital of Chicago
Classification: Uncertain significance for Aortic aneurysm, familial thoracic 4. Last evaluated: 2019-10-02. Review status: criteria provided, single submitter. Criteria: ACMG Guidelines, 2015. Collection method: clinical testing. Allele origin: germline.
Comment: MYH11 NM_002474.2 exon 41 p.Glu1957Gln (c.5869G>C): This variant has not been reported in the literature but is present in 0.009% (11/113768) of European alleles in the Genome Aggregation Database. Evolutionary conservation and computational predictive tools for this variant are unclear. In summary, data on this variant is insufficient for disease classification. Therefore, the clinical significance of this variant is uncertain.

Color Diagnostics, LLC DBA Color Health
Classification: Likely benign for Familial thoracic aortic aneurysm and aortic dissection. Last evaluated: 2018-06-25. Review status: criteria provided, single submitter. Criteria: ACMG Guidelines, 2015. Collection method: clinical testing. Allele origin: germline.

Illumina Laboratory Services, Illumina
Classification: Uncertain significance for Aortic aneurysm, familial thoracic 4. Last evaluated: 2018-01-12. Review status: criteria provided, single submitter. Criteria: ICSL Variant Classification Criteria 13 December 2019. Collection method: clinical testing. Allele origin: germline.

Center for Genomics, Ann and Robert H. Lurie Children's Hospital of Chicago
Classification: Uncertain significance for Megacystis-microcolon-intestinal hypoperistalsis syndrome 2; Aortic aneurysm, familial thoracic 4; Visceral myopathy 2. Review status: criteria provided, single submitter. Criteria: ACMG Guidelines, 2015. Collection method: clinical testing. Allele origin: germline.
Comment: the same text as in the submission from Center for Genomics, Ann and Robert H. Lurie Children's Hospital of Chicago above.